The following is an entry in ClinVar:

NM_001277313.2(FMN1):c.4051G>A (p.Val1351Met)

Gene: FMN1 (formin 1; minus strand). Cytogenetic location: 15q13.3.
Variant type: single nucleotide variant.
Coding change: c.4051G>A on transcript NM_001277313.2 (MANE Select); coding-DNA position 4051, G replaced by A.
Protein change: p.Val1351Met; replaces valine 1351 with methionine.
Molecular consequence: missense variant.
Genome position (GRCh38, 1-based): chr15:32,798,883, C>T on the plus strand (G>A on the coding strand, the complement: FMN1 is on the minus strand). VCF-style: chr15-32798883-C-T. GRCh37 (hg19) VCF-style: chr15-33091084-C-T.
Other names: c.3382G>A, p.Val1128Met (NM_001103184.4); c.3382G>A (NM_001103184.2); short protein forms V1128M, V1351M.
Identifiers: ClinVar variation 497271 (VCV000497271.16), dbSNP rs76835557, ClinGen allele CA7456286.

ClinVar aggregate classification (germline): Conflicting classifications of pathogenicity. Review status: criteria provided, conflicting classifications (1 of 4 stars). 4 submissions from 4 submitters: Uncertain significance (1); Likely benign (2). 1 of the submissions does not count toward it. Last evaluated 2025-10-22.

Conditions:
FMN1-related disorder. Also called: FMN1-related condition.

Allele frequency attached by ClinVar (database versions not stated): gnomAD exomes 0.00038; ExAC 0.00045; gnomAD 0.00130 and 0.00136; TOPMed 0.00148; 1000 Genomes Project 0.00160; ESP Exome Variant Server 0.00175; 1000 Genomes Project 30x 0.00187.
gnomAD v4.1: 391 of 1,613,310 alleles (0.024%); highest among the groups gnomAD compares: African/African-American, 0.45%; 3 homozygotes.

Submissions (4):

Ambry Genetics
Classification: Uncertain significance. Last evaluated: 2025-10-22. Review status: criteria provided, single submitter. Criteria: Ambry Variant Classification Scheme 2023. Collection method: clinical testing. Allele origin: germline.

Labcorp Genetics (formerly Invitae), Labcorp
Classification: Likely benign. Last evaluated: 2025-09-24. Review status: criteria provided, single submitter. Criteria: Invitae Variant Classification Sherloc (09022015). Collection method: clinical testing. Allele origin: germline.

Eurofins Ntd Llc (ga)
Classification: Likely benign. Last evaluated: 2016-09-30. Review status: criteria provided, single submitter. Criteria: EGL Classification Definitions 2015. Collection method: clinical testing. Allele origin: germline. Observed: 1 variant allele, 1 heterozygote.

PreventionGenetics, part of Exact Sciences
Classification: Likely benign for FMN1-related condition. Last evaluated: 2020-03-06. Review status: no assertion criteria provided. Collection method: clinical testing. Allele origin: germline. Not counted in ClinVar's aggregate classification.
Comment: This variant is classified as likely benign based on ACMG/AMP sequence variant interpretation guidelines (Richards et al. 2015 PMID: 25741868, with internal and published modifications).